The following is an entry in ClinVar:

NM_001360.3(DHCR7):c.439G>A (p.Gly147Ser)

Gene: DHCR7 (7-dehydrocholesterol reductase; minus strand). Cytogenetic location: 11q13.4.
Variant type: single nucleotide variant.
Coding change: c.439G>A on transcript NM_001360.3 (MANE Select); coding-DNA position 439, G replaced by A.
Protein change: p.Gly147Ser; replaces glycine 147 with serine.
Molecular consequence: missense variant.
Genome position (GRCh38, 1-based): chr11:71,441,414, C>T on the plus strand (G>A on the coding strand, the complement: DHCR7 is on the minus strand). VCF-style: chr11-71441414-C-T. GRCh37 (hg19) VCF-style: chr11-71152460-C-T.
Other names: c.439G>A, p.Gly147Ser (NM_001163817.2); short protein forms G147S.
Identifiers: ClinVar variation 1740285 (VCV001740285.4), dbSNP rs1248898751, ClinGen allele CA381694674.

ClinVar aggregate classification (germline): Conflicting classifications of pathogenicity. Review status: criteria provided, conflicting classifications (1 of 4 stars). 3 submissions from 3 submitters: Likely pathogenic (2); Uncertain significance (1). Last evaluated 2025-06-24.

Conditions:
Inborn genetic diseases. Identifiers: MedGen C0950123, MeSH D030342.
Smith-Lemli-Opitz syndrome (SLOS). Also called: LETHAL ACRODYSGENITAL SYNDROME; POLYDACTYLY, SEX REVERSAL, RENAL HYPOPLASIA, AND UNILOBAR LUNG; RSH SYNDROME; RUTLEDGE LETHAL MULTIPLE CONGENITAL ANOMALY SYNDROME; 7-Dehydrocholesterol reductase deficiency. Identifiers: Orphanet 818, MedGen C0175694, MONDO:0010035, OMIM 270400.

Allele frequency attached by ClinVar (database versions not stated): gnomAD 0.00001; TOPMed 0.00001.
gnomAD v4.1: 17 of 1,613,678 alleles (0.0011%); highest among the groups gnomAD compares: Admixed American, 0.0017%; no homozygotes.

Submissions (3):

Natera, Inc.
Classification: Likely pathogenic for Smith-Lemli-Opitz syndrome. Last evaluated: 2025-06-24. Review status: criteria provided, single submitter. Criteria: Natera Variant Classification Schema (03/2026). Collection method: clinical testing. Allele origin: germline.
Comment: The c.439G>A variant in DHCR7 is a missense variant predicted to cause substitution of glycine to serine at amino acid 147. This variant is rare in the general population with a frequency below the threshold expected for the associated phenotype(s). This variant has been observed in one or more individuals affected with the associated recessive disease, as either homozygous or compound heterozygous with a second variant (PMID: 31974414). A different variant at the same position has been determined to be Pathogenic or Likely Pathogenic. Computational prediction algorithms indicate this variant is likely to affect gene or protein function. Given the available evidence, this variant is classified as Likely Pathogenic.

Fulgent Genetics
Classification: Likely pathogenic for Smith-Lemli-Opitz syndrome. Last evaluated: 2024-05-29. Review status: criteria provided, single submitter. Criteria: ACMG Guidelines, 2015. Collection method: clinical testing. Allele origin: germline.

Ambry Genetics
Classification: Uncertain significance for Inborn genetic diseases. Last evaluated: 2017-07-19. Review status: criteria provided, single submitter. Criteria: Ambry Variant Classification Scheme 2023. Collection method: clinical testing. Allele origin: germline.
Comment: The p.G147S variant (also known as c.439G>A), located in coding exon 4 of the DHCR7 gene, results from a G to A substitution at nucleotide position 439. The glycine at codon 147 is replaced by serine, an amino acid with similar properties. This amino acid position is highly conserved in available vertebrate species. In addition, this alteration is predicted to be deleterious by in silico analysis. Since supporting evidence is limited at this time, the clinical significance of this alteration remains unclear.

Literature cited by the submitters: PubMed 31974414 (cited by Natera, Inc.).